The following is an entry in ClinVar:

NM_001142800.2(EYS):c.8648_8655del (p.Thr2883fs)

Genes: EYS (EGF-like photoreceptor maintenance factor; minus strand), PHF3 (PHD finger protein 3; plus strand). Cytogenetic location: 6q12.
Variant type: Deletion.
Coding change: c.8648_8655del on transcript NM_001142800.2 (MANE Select); coding-DNA positions 8648 to 8655, 8 bases deleted (CATGCAGA; older notation c.8648_8655delCATGCAGA).
Protein change: p.Thr2883fs; shifts the reading frame from threonine 2883.
Molecular consequence: frameshift variant. On other transcripts: 3 prime UTR variant (5).
Genome position (GRCh38, 1-based): chr6:63,721,376-63,721,383, TCTGCATG deleted on the plus strand (CATGCAGA on the coding strand, the reverse complement: EYS is on the minus strand); deleting any 8 consecutive bases within chr6:63,721,376-63,721,384 gives the same sequence; the c. name uses the placement nearest the transcript's 3' end. VCF-style (leftmost placement, unchanged base first): chr6-63721375-TTCTGCATG-T. GRCh37 (hg19) VCF-style: chr6-64431271-TTCTGCATG-T.
Other names: c.8648_8655delCATGCAGA (NM_001142800.1); c.*7669_*7676del (NM_001290259.2, NM_001370348.2, NM_001370349.2 and 2 more transcripts); c.8711_8718del, p.Thr2904fs (NM_001292009.2); short protein forms T2883fs, T2904fs.
Identifiers: ClinVar variation 550019 (VCV000550019.35), dbSNP rs528919874, ClinGen allele CA3876702.

ClinVar aggregate classification (germline): Pathogenic/Likely pathogenic. Review status: criteria provided, multiple submitters, no conflicts (2 of 4 stars). 18 submissions from 18 submitters: Pathogenic (14); Likely pathogenic (1). 3 of the submissions do not count toward it. Last evaluated 2026-09-09.

Conditions:
Retinal dystrophy. Also called: Inherited retinal dystrophy. Identifiers: Orphanet 71862, MedGen C0854723, MeSH D058499, MONDO:0019118, HP:0000556.
EYS-related disorder. Also called: EYS-related condition.
Neurodevelopmental disorder. Identifiers: MedGen C1535926, MeSH D065886, MONDO:0700092.
Retinitis pigmentosa (RP). Identifiers: Orphanet 791, MedGen C0035334, MeSH D012174, MONDO:0019200, OMIM 268000. Inheritance: Autosomal dominant, autosomal recessive and X linked inheritance.
Retinitis pigmentosa 25 (RP25). Identifiers: Orphanet 791, MedGen C1864446, MONDO:0011272, OMIM 602772.

Submissions 1 to 12 of 18:

PreventionGenetics, part of Exact Sciences
Classification: Pathogenic for EYS-related condition. Last evaluated: 2026-09-09. Review status: criteria provided, single submitter. Criteria: ACMG Guidelines, 2015. Collection method: clinical testing. Allele origin: germline.
Comment: The EYS c.8648_8655del8 variant is predicted to result in a frameshift and premature protein termination (p.Thr2883Lysfs*4). This variant has been reported in cis with c.1155T>A as a complex allele, [c.1155T>A; c.8648_8655del], in patients with retinitis pigmentosa and Finnish origins, suggesting a complex founder allele (Avela et al. 2018. PubMed ID: 29068140; Westin et al. 2021. PubMed ID: 33833316). This variant has also been reported alone in the compound heterozygous and homozygous states in individuals with retinitis pigmentosa (for example, Littink et al. 2010. PubMed ID: 20537394, Westin et al. 2021. PubMed ID: 33833316; Supplementary Table 3, Zampaglione et al. 2022. PubMed ID: 34906470). This variant resides in the final exon of the EYS gene, and it is unclear if the resulting mRNA would undergo nonsense-mediated decay; however, other early termination variants nearby and downstream have been documented as causative (for example, Pierrache et al. 2019. PubMed ID: 31074760; Audo et al. 2010. PubMed ID: 20333770; Moon et al. 2022. PubMed ID: 35052368). This variant is reported in 0.60% of alleles in individuals of European (Finnish) descent in gnomAD, indicating it is relatively common in this population. Given the evidence, the complex allele, [c.1155T>A; c.8648_8655del], is classified as pathogenic. In isolation, the c.8648_8655del variant is classified pathogenic.

Mendelics
Classification: Pathogenic for Neurodevelopmental disorder. Last evaluated: 2026-03-05. Review status: criteria provided, single submitter. Criteria: ACMG Guidelines, 2015. Collection method: clinical testing. Allele origin: unknown.
Comment: Likely pathogenic/Pathogenic according to ACMG criteria.

Labcorp Genetics (formerly Invitae), Labcorp
Classification: Pathogenic. Last evaluated: 2025-12-21. Review status: criteria provided, single submitter. Criteria: Invitae Variant Classification Sherloc (09022015). Collection method: clinical testing. Allele origin: germline.
Comment: This sequence change creates a premature translational stop signal (p.Thr2883Lysfs*4) in the EYS gene. While this is not anticipated to result in nonsense mediated decay, it is expected to disrupt the last 262 amino acid(s) of the EYS protein. This variant is present in population databases (rs528919874, gnomAD 0.6%), and has an allele count higher than expected for a pathogenic variant. This premature translational stop signal has been observed in individual(s) with retinitis pigmentosa (PMID: 20537394). It has also been observed to segregate with disease in related individuals. This variant is also known as c.8710_8717del8 (p.T2904KfsX4). ClinVar contains an entry for this variant (Variation ID: 550019). This variant disrupts a region of the EYS protein in which other variant(s) (p.Tyr2935*) have been determined to be pathogenic (PMID: 22363543). This suggests that this is a clinically significant region of the protein, and that variants that disrupt it are likely to be disease-causing. For these reasons, this variant has been classified as Pathogenic.

Natera, Inc.
Classification: Pathogenic for Retinitis pigmentosa type 25. Last evaluated: 2025-12-08. Review status: criteria provided, single submitter. Criteria: Natera Variant Classification Schema (03/2026). Collection method: clinical testing. Allele origin: germline.
Comment: The c.8648_8655delCATGCAGA variant in EYS is a frameshift variant predicted to shift the reading frame beginning at codon 2883 and leads to a stop codon 4 codons downstream. This variant is expected to result in nonsense mediated decay, truncation, or a dysfunctional protein product. This variant has been observed in one or more individuals affected with the associated recessive disease, as either homozygous or compound heterozygous with a second variant (PMID:20537394, 33833316). Given the available evidence, this variant is classified as Pathogenic.

GeneDx
Classification: Pathogenic. Last evaluated: 2025-09-23. Review status: criteria provided, single submitter. Criteria: GeneDx Variant Classification Process June 2021. Collection method: clinical testing. Allele origin: germline. Affected: yes.
Comment: Commonly seen in cis with the p.(C385*) variant in individuals of Finish background (PMID: 29068140); Frameshift variant predicted to result in abnormal protein length as the last 261 amino acids are replaced with 1 different amino acid, and other similar variants have been reported in HGMD; This variant is associated with the following publications: (PMID: 30718709, 20537394, 29159838, 28704921, 29550188, 31429209, 32531858, 31964843, 34906470, 39087934, 29068140, 33833316, 39563277, 38927562)

3billion
Classification: Pathogenic for Retinitis pigmentosa 25. Last evaluated: 2025-09-16. Review status: criteria provided, single submitter. Criteria: ACMG Guidelines, 2015. Collection method: clinical testing. Allele origin: germline. Affected: yes.
Comment: The variant is observed at an extremely low frequency in the gnomAD v4.1.0 dataset (total allele frequency: 0.037%). Predicted Consequence/Location: Frameshift: predicted to result in a loss or disruption of normal protein function through protein truncation. Multiple pathogenic variants are reported in the predicted truncated region. The variant has been reported at least twice as pathogenic with clinical assertions and evidence for the classification (ClinVar ID: VCV000550019 /PMID: 20537394). Therefore, this variant is classified as Pathogenic according to the recommendation of ACMG/AMP guideline.

Blueprint Genetics
Classification: Pathogenic for EYS-related disorders. Last evaluated: 2024-11-07. Review status: criteria provided, single submitter. Criteria: ACMG Guidelines, 2015. Collection method: clinical testing. Allele origin: germline. Affected: yes. Observed: 5 variant alleles.

Centre for Clinical Genetics and Genomic Diagnostics, Zealand University Hospital
Classification: Pathogenic. Last evaluated: 2024-09-24. Review status: criteria provided, single submitter. Criteria: ACMG Guidelines, 2015. Collection method: clinical testing. Allele origin: germline. Affected: yes.
Comment: Compound heterozygous

Baylor Genetics
Classification: Pathogenic for Retinitis pigmentosa 25. Last evaluated: 2024-03-06. Review status: criteria provided, single submitter. Criteria: ACMG Guidelines, 2015. Collection method: clinical testing. Allele origin: unknown.

Fulgent Genetics
Classification: Pathogenic for Retinitis pigmentosa 25. Last evaluated: 2024-03-05. Review status: criteria provided, single submitter. Criteria: ACMG Guidelines, 2015. Collection method: clinical testing. Allele origin: germline.

Revvity Omics, Revvity
Classification: Pathogenic for Retinitis pigmentosa 25. Last evaluated: 2023-06-22. Review status: criteria provided, single submitter. Criteria: ACMG Guidelines, 2015. Collection method: clinical testing. Allele origin: germline.

Women's Health and Genetics/Laboratory Corporation of America, LabCorp
Classification: Pathogenic for Retinitis pigmentosa. Last evaluated: 2023-03-24. Review status: criteria provided, single submitter. Criteria: LabCorp Variant Classification Summary - May 2015. Collection method: clinical testing. Allele origin: germline.
Comment: Variant summary: EYS c.8648_8655delCATGCAGA (p.Thr2883LysfsX4) is located in the last exon, and results in a premature termination codon that is not expected to cause nonsense mediated decay (NMD), but is predicted to cause a truncation of the encoded protein, removing a part of the 3144 amino acids long protein. Truncations downstream of this position have been classified as pathogenic by our laboratory. The variant allele was found at a frequency of 0.00075 in 157422 control chromosomes, predominantly at a frequency of 0.0064 within the Finnish subpopulation in the gnomAD database, including 1 homozygote. The observed variant frequency in the Finnish subpopulation is higher than the estimated maximal expected allele frequency for a pathogenic variant in EYS causing Retinitis Pigmentosa (0.0034). However, the Finnish subpopulation has been recently reported to be enriched for certain founder mutations in EYS (Avela_2018, Avela_2019). The presence of homozygotes in controls suggests that this variant may have incomplete penetrance and/or is associated with a later onset of disease. The variant, c.8648_8655delCATGCAGA, has been reported in the literature in multiple compound heterozygous and homozygous individuals affected with Retinitis Pigmentosa (e.g. Littink_2010, Westin_2021), and was also reported in cis with the c.1155T>A (p.Cys385X) variant in multiple Finish patients (Avela_2018, Avela_2019). These data indicate that the variant is very likely to be associated with disease. To our knowledge, no experimental evidence demonstrating an impact on protein function has been reported. Nine ClinVar submitters (evaluation after 2014) have cited the variant, and all laboratories classified the variant as pathogenic (n = 7) or likely pathogenic (n = 2). Based on the evidence outlined above, the variant was classified as pathogenic.